The following is an entry in ClinVar:

ClinVar aggregate classification (germline): Uncertain significance (1 of 4 stars; one submission).

Conditions:
Hereditary cancer-predisposing syndrome. Also called: Tumor predisposition; Hereditary neoplastic syndrome; Hereditary Cancer Syndrome; Neoplastic Syndromes, Hereditary. Identifiers: Orphanet 140162, MedGen C0027672, MeSH D009386, MONDO:0015356.

gnomAD v4.1: 1 of 1,614,014 alleles (0.000062%); highest among the groups gnomAD compares: Non-Finnish European, 0.000085%; no homozygotes.

Submission:

Ambry Genetics
Classification: Uncertain significance for Hereditary cancer-predisposing syndrome. Last evaluated: 2025-06-02. Review status: criteria provided, single submitter. Criteria: Ambry Variant Classification Scheme 2023. Collection method: clinical testing. Allele origin: germline.
Comment: The p.A626V variant (also known as c.1877C>T), located in coding exon 11 of the PMS2 gene, results from a C to T substitution at nucleotide position 1877. The alanine at codon 626 is replaced by valine, an amino acid with similar properties. This amino acid position is conserved. In addition, this alteration is predicted to be tolerated by in silico analysis. Based on the available evidence, the clinical significance of this variant remains unclear.

NM_000535.7(PMS2):c.1877C>T (p.Ala626Val)

Gene: PMS2 (PMS1 homolog 2, mismatch repair system component; minus strand). Cytogenetic location: 7p22.1.
Variant type: single nucleotide variant.
Coding change: c.1877C>T on transcript NM_000535.7 (MANE Select); coding-DNA position 1877, C replaced by T.
Protein change: p.Ala626Val; replaces alanine 626 with valine.
Molecular consequence: missense variant. On other transcripts: non-coding transcript variant (1), intron variant (1).
Genome position (GRCh38, 1-based): chr7:5,986,888, G>A on the plus strand (C>T on the coding strand, the complement: PMS2 is on the minus strand). VCF-style: chr7-5986888-G-A. GRCh37 (hg19) VCF-style: chr7-6026519-G-A.
Other names: c.1559C>T, p.Ala520Val (NM_001406876.1, NM_001406883.1, NM_001406903.1 and 2 more transcripts); c.1568C>T, p.Ala523Val (NM_001406877.1, NM_001406878.1, NM_001406879.1 and 5 more transcripts); c.1553C>T, p.Ala518Val (NM_001406884.1); c.1541C>T, p.Ala514Val (NM_001406885.1); c.1364C>T, p.Ala455Val (NM_001406904.1, NM_001406905.1); c.1316C>T, p.Ala439Val (NM_001406906.1, NM_001406907.1, NM_001322010.2); c.1472C>T, p.Ala491Val (NM_001406908.1, NM_001406910.1, NM_001322003.2 and 16 more transcripts); c.1304C>T, p.Ala435Val (NM_001406909.1, NM_001322013.2); and 13 more; short protein forms A468V, A471V, A520V, A523V, A435V, A439V, A518V, A570V.
Identifiers: ClinVar variation 3935156 (VCV003935156.1).